The following is an entry in ClinVar:

ClinVar aggregate classification (germline): Benign. Review status: criteria provided, multiple submitters, no conflicts (2 of 4 stars). 3 submissions from 3 submitters: Benign (2). 1 of the submissions does not count toward it. Last evaluated 2019-12-31.

Conditions:
XIRP2-related disorder. Also called: XIRP2-related condition.

Allele frequency attached by ClinVar (database versions not stated): gnomAD 0.00104 and 0.00127; TOPMed 0.00121; ESP Exome Variant Server 0.00138; gnomAD exomes 0.00184 and 0.00209; ExAC 0.00216; 1000 Genomes Project 0.00280; 1000 Genomes Project 30x 0.00297.
gnomAD v4.1: 2,907 of 1,613,548 alleles (0.18%); highest among the groups gnomAD compares: South Asian, 0.86%; 13 homozygotes.

Submissions (3):

Labcorp Genetics (formerly Invitae), Labcorp
Classification: Benign. Last evaluated: 2019-12-31. Review status: criteria provided, single submitter. Criteria: Invitae Variant Classification Sherloc (09022015). Collection method: clinical testing. Allele origin: germline.

Breakthrough Genomics
Classification: Benign. Review status: criteria provided, single submitter. Criteria: ACMG Guidelines, 2015. Collection method: not provided. Allele origin: germline. Inheritance: Unknown mechanism. Affected: yes.

PreventionGenetics, part of Exact Sciences
Classification: Likely benign for XIRP2-related condition. Last evaluated: 2019-06-03. Review status: no assertion criteria provided. Collection method: clinical testing. Allele origin: germline. Not counted in ClinVar's aggregate classification.
Comment: This variant is classified as likely benign based on ACMG/AMP sequence variant interpretation guidelines (Richards et al. 2015 PMID: 25741868, with internal and published modifications).

NM_152381.6(XIRP2):c.9835T>C (p.Ser3279Pro)

Gene: XIRP2 (xin actin binding repeat containing 2; plus strand). Cytogenetic location: 2q24.3.
Variant type: single nucleotide variant.
Coding change: c.9835T>C on transcript NM_152381.6 (MANE Select); coding-DNA position 9835, T replaced by C.
Protein change: p.Ser3279Pro; replaces serine 3279 with proline.
Molecular consequence: missense variant. On other transcripts: intron variant (3).
Genome position (GRCh38, 1-based): chr2:167,251,227, T>C. VCF-style: chr2-167251227-T-C. GRCh37 (hg19) VCF-style: chr2-168107737-T-C.
Other names: c.9169T>C, p.Ser3057Pro (NM_001199144.2); c.1276-2805T>C (NM_001199143.2); c.1177-2805T>C (NM_001079810.4); c.511-2805T>C (NM_001199145.2); c.9835T>C (NM_152381.5); short protein forms S3057P, S3279P.
Identifiers: ClinVar variation 719317 (VCV000719317.7), dbSNP rs199990336, ClinGen allele CA1948108.